The following is an entry in ClinVar:

ClinVar aggregate classification (germline): Uncertain significance (1 of 4 stars; one submission).

Allele frequency attached by ClinVar (database versions not stated): gnomAD exomes below 0.00001.
gnomAD v4.1: 1 of 1,595,714 alleles (0.000063%); highest among the groups gnomAD compares: Non-Finnish European, 0.000085%; no homozygotes.

Submission:

Labcorp Genetics (formerly Invitae), Labcorp
Classification: Uncertain significance. Last evaluated: 2022-11-10. Review status: criteria provided, single submitter. Criteria: Invitae Variant Classification Sherloc (09022015). Collection method: clinical testing. Allele origin: germline.
Comment: This sequence change falls in intron 9 of the COLGALT1 gene. It does not directly change the encoded amino acid sequence of the COLGALT1 protein. It affects a nucleotide within the consensus splice site. This variant is not present in population databases (gnomAD no frequency). This variant has not been reported in the literature in individuals affected with COLGALT1-related conditions. Variants that disrupt the consensus splice site are a relatively common cause of aberrant splicing (PMID: 17576681, 9536098). Algorithms developed to predict the effect of sequence changes on RNA splicing suggest that this variant may disrupt the consensus splice site. In summary, the available evidence is currently insufficient to determine the role of this variant in disease. Therefore, it has been classified as a Variant of Uncertain Significance.

Literature cited by the submitters: PubMed 17576681; PubMed 9536098.

NM_024656.4(COLGALT1):c.1266+5G>A

Gene: COLGALT1 (collagen beta(1-O)galactosyltransferase 1; plus strand). Cytogenetic location: 19p13.11.
Variant type: single nucleotide variant.
Coding change: c.1266+5G>A on transcript NM_024656.4 (MANE Select); 5 bases into the intron after coding-DNA position 1266, G replaced by A.
Molecular consequence: intron variant.
Genome position (GRCh38, 1-based): chr19:17,578,094, G>A. VCF-style: chr19-17578094-G-A. GRCh37 (hg19) VCF-style: chr19-17688903-G-A.
Identifiers: ClinVar variation 2868795 (VCV002868795.3), dbSNP rs2512895003, ClinGen allele CA2583382983.